The following is an entry in ClinVar:

NM_015909.4(NBAS):c.4878T>G (p.Ile1626Met)

Gene: NBAS (NBAS subunit of NRZ tethering complex; minus strand). Cytogenetic location: 2p24.3.
Variant type: single nucleotide variant.
Coding change: c.4878T>G on transcript NM_015909.4 (MANE Select); coding-DNA position 4878, T replaced by G.
Protein change: p.Ile1626Met; replaces isoleucine 1626 with methionine.
Molecular consequence: missense variant. On other transcripts: non-coding transcript variant (1).
Genome position (GRCh38, 1-based): chr2:15,292,686, A>C on the plus strand (T>G on the coding strand, the complement: NBAS is on the minus strand). VCF-style: chr2-15292686-A-C. GRCh37 (hg19) VCF-style: chr2-15432810-A-C.
Other names: short protein forms I1626M.
Identifiers: ClinVar variation 1938837 (VCV001938837.5), dbSNP rs774890071, ClinGen allele CA1535470.

ClinVar aggregate classification (germline): Uncertain significance (1 of 4 stars; one submission).

Allele frequency attached by ClinVar (database versions not stated): gnomAD exomes below 0.00001; ExAC 0.00001.
gnomAD v4.1: 4 of 1,614,224 alleles (0.00025%); highest among the groups gnomAD compares: South Asian, 0.0033%; no homozygotes.

Submission:

Labcorp Genetics (formerly Invitae), Labcorp
Classification: Uncertain significance. Last evaluated: 2022-06-13. Review status: criteria provided, single submitter. Criteria: Invitae Variant Classification Sherloc (09022015). Collection method: clinical testing. Allele origin: germline.
Comment: This sequence change replaces isoleucine, which is neutral and non-polar, with methionine, which is neutral and non-polar, at codon 1626 of the NBAS protein (p.Ile1626Met). This variant is present in population databases (rs774890071, gnomAD 0.003%). This variant has not been reported in the literature in individuals affected with NBAS-related conditions. Algorithms developed to predict the effect of missense changes on protein structure and function are either unavailable or do not agree on the potential impact of this missense change (SIFT: "Deleterious"; PolyPhen-2: "Benign"; Align-GVGD: "Class C0"). In summary, the available evidence is currently insufficient to determine the role of this variant in disease. Therefore, it has been classified as a Variant of Uncertain Significance.